The following is an entry in ClinVar:

ClinVar aggregate classification (germline): Uncertain significance (1 of 4 stars; one submission).

gnomAD v4.1: 1 of 1,614,202 alleles (0.000062%); no homozygotes.

Submission:

Greenwood Genetic Center Diagnostic Laboratories, Greenwood Genetic Center
Classification: Uncertain significance. Last evaluated: 2024-11-11. Review status: criteria provided, single submitter. Criteria: ACMG Guidelines, 2015. Collection method: clinical testing. Allele origin: germline. Affected: yes.
Comment: PM2, BP4, PP2

NM_012154.5(AGO2):c.865G>A (p.Ala289Thr)

Gene: AGO2 (argonaute RISC catalytic component 2; minus strand). Cytogenetic location: 8q24.3.
Variant type: single nucleotide variant.
Coding change: c.865G>A on transcript NM_012154.5 (MANE Select); coding-DNA position 865, G replaced by A.
Protein change: p.Ala289Thr; replaces alanine 289 with threonine.
Molecular consequence: missense variant.
Genome position (GRCh38, 1-based): chr8:140,558,498, C>T on the plus strand (G>A on the coding strand, the complement: AGO2 is on the minus strand). VCF-style: chr8-140558498-C-T. GRCh37 (hg19) VCF-style: chr8-141568597-C-T.
Other names: c.865G>A, p.Ala289Thr (NM_001164623.3); short protein forms A289T.
Identifiers: ClinVar variation 3765762 (VCV003765762.1).